The following is an entry in ClinVar:

NM_032656.4(DHX37):c.2343A>G (p.Ala781=)

Gene: DHX37 (DEAH-box helicase 37; minus strand). Cytogenetic location: 12q24.31.
Variant type: single nucleotide variant.
Coding change: c.2343A>G on transcript NM_032656.4 (MANE Select); coding-DNA position 2343, A replaced by G.
Protein change: p.Ala781=; no amino-acid change (alanine 781 retained).
Molecular consequence: synonymous variant.
Genome position (GRCh38, 1-based): chr12:124,956,801, T>C on the plus strand (A>G on the coding strand, the complement: DHX37 is on the minus strand). VCF-style: chr12-124956801-T-C. GRCh37 (hg19) VCF-style: chr12-125441347-T-C.
Identifiers: ClinVar variation 1281356 (VCV001281356.9), dbSNP rs12300199, ClinGen allele CA6871667.

ClinVar aggregate classification (germline): Benign. Review status: criteria provided, multiple submitters, no conflicts (2 of 4 stars). 4 submissions from 4 submitters: Benign (3). 1 of the submissions does not count toward it. Last evaluated 2026-01-27.

Conditions:
DHX37-related disorder. Also called: DHX37-related condition; DHX37-Related Disorders.

Allele frequency attached by ClinVar (database versions not stated): TOPMed 0.05388; 1000 Genomes Project 30x 0.06012; 1000 Genomes Project 0.06030; gnomAD exomes 0.03414 and 0.04047; gnomAD 0.05232 and 0.05217; ESP Exome Variant Server 0.05544; ExAC 0.04244.

Submissions (4):

Labcorp Genetics (formerly Invitae), Labcorp
Classification: Benign. Last evaluated: 2026-01-27. Review status: criteria provided, single submitter. Criteria: Invitae Variant Classification Sherloc (09022015). Collection method: clinical testing. Allele origin: germline.

GeneDx
Classification: Benign. Last evaluated: 2019-02-08. Review status: criteria provided, single submitter. Criteria: GeneDx Variant Classification Process June 2021. Collection method: clinical testing. Allele origin: germline. Affected: yes.

Breakthrough Genomics
Classification: Benign. Review status: criteria provided, single submitter. Criteria: ACMG Guidelines, 2015. Collection method: not provided. Allele origin: germline. Inheritance: Autosomal recessive inheritance. Affected: yes.

PreventionGenetics, part of Exact Sciences
Classification: Benign for DHX37-related condition. Last evaluated: 2020-01-06. Review status: no assertion criteria provided. Collection method: clinical testing. Allele origin: germline. Not counted in ClinVar's aggregate classification.
Comment: This variant is classified as benign based on ACMG/AMP sequence variant interpretation guidelines (Richards et al. 2015 PMID: 25741868, with internal and published modifications).